The following is an entry in ClinVar:

NM_000492.4(CFTR):c.754G>C (p.Ala252Pro)

Gene: CFTR (CF transmembrane conductance regulator; plus strand). Cytogenetic location: 7q31.2.
Variant type: single nucleotide variant.
Coding change: c.754G>C on transcript NM_000492.4 (MANE Select); coding-DNA position 754, G replaced by C.
Protein change: p.Ala252Pro; replaces alanine 252 with proline.
Molecular consequence: missense variant.
Genome position (GRCh38, 1-based): chr7:117,536,558, G>C. VCF-style: chr7-117536558-G-C. GRCh37 (hg19) VCF-style: chr7-117176612-G-C.
Other names: short protein forms A252P.
Identifiers: ClinVar variation 1759484 (VCV001759484.4), dbSNP rs748582435, ClinGen allele CA4450827.

ClinVar aggregate classification (germline): Uncertain significance. Review status: criteria provided, multiple submitters, no conflicts (2 of 4 stars). 2 submissions from 2 submitters: Uncertain significance (2). Last evaluated 2025-06-09.

Conditions:
Cystic fibrosis (CF). Also called: MUCOVISCIDOSIS. Identifiers: Orphanet 586, MedGen C0010674, MONDO:0009061, OMIM 219700. Disease mechanism: loss of function.
Hereditary pancreatitis (PCTT). Also called: Hereditary chronic pancreatitis; PRSS1-Related Hereditary Pancreatitis. Identifiers: Orphanet 676, MedGen C0238339, MONDO:0008185, OMIM 167800.

Allele frequency attached by ClinVar (database versions not stated): gnomAD 0.00001; ExAC 0.00002.
gnomAD v4.1: 15 of 1,590,920 alleles (0.00094%); highest among the groups gnomAD compares: South Asian, 0.016%; 1 homozygote.

Submissions (2):

Ambry Genetics
Classification: Uncertain significance for Cystic fibrosis. Last evaluated: 2025-06-09. Review status: criteria provided, single submitter. Criteria: Ambry Variant Classification Scheme 2023. Collection method: clinical testing. Allele origin: germline.
Comment: The p.A252P variant (also known as c.754G>C), located in coding exon 7 of the CFTR gene, results from a G to C substitution at nucleotide position 754. The alanine at codon 252 is replaced by proline, an amino acid with highly similar properties. This amino acid position is conserved. In addition, this alteration is predicted to be deleterious by in silico analysis. Since supporting evidence is limited at this time, the clinical significance of this alteration remains unclear.

Neuberg Centre For Genomic Medicine, NCGM
Classification: Uncertain significance for Hereditary pancreatitis. Review status: criteria provided, single submitter. Criteria: ACMG Guidelines, 2015. Collection method: clinical testing. Allele origin: germline. Inheritance: Autosomal dominant inheritance. Affected: yes.
Comment: The observed missense variant c.754G>C(p.Ala252Pro) in the CFTR gene has not been reported previously as a pathogenic variant nor as a benign variant, to our knowledge. This variant is reported with the allele frequency 0.002% in the gnomAD Exomes. This variant has been reported to the ClinVar database as Uncertain Significance by multiple submitters. However, no details are available for independent assessment. The amino acid Ala at position 252 is changed to a Pro changing protein sequence and it might alter its composition and physico- chemical properties. Multiple lines of computational evidence (Polyphen - Probably damaging, SIFT - Damaging and MutationTaster - Disease causing) predict a damaging effect on protein structure and function for this variant. The residue is conserved by GERP++ and PhyloP across 100 vertebrates. For these reasons, this variant has been classified as Uncertain Significance.